The following is an entry in ClinVar:

NM_017514.5(PLXNA3):c.5373T>C (p.Tyr1791=)

Gene: PLXNA3 (plexin A3; plus strand). Cytogenetic location: Xq28.
Variant type: single nucleotide variant.
Coding change: c.5373T>C on transcript NM_017514.5 (MANE Select); coding-DNA position 5373, T replaced by C.
Protein change: p.Tyr1791=; no amino-acid change (tyrosine 1791 retained).
Molecular consequence: synonymous variant.
Genome position (GRCh38, 1-based): chrX:154,471,491, T>C. VCF-style: chrX-154471491-T-C. GRCh37 (hg19) VCF-style: chrX-153699834-T-C.
Identifiers: ClinVar variation 3049592 (VCV003049592.2), dbSNP rs143928608, ClinGen allele CA10565114.

ClinVar aggregate classification (germline): Likely benign (0 of 4 stars; one submission).

Conditions:
PLXNA3-related disorder. Also called: PLXNA3-related condition.

Allele frequency attached by ClinVar (database versions not stated): ExAC 0.00005; gnomAD 0.00007; TOPMed 0.00010; gnomAD exomes 0.00011; ESP Exome Variant Server 0.00028.
gnomAD v4.1: 136 of 1,199,343 alleles (0.011%); highest among the groups gnomAD compares: Non-Finnish European, 0.014%; no homozygotes.

Submission:

PreventionGenetics, part of Exact Sciences
Classification: Likely benign for PLXNA3-related condition. Last evaluated: 2021-08-11. Review status: no assertion criteria provided. Collection method: clinical testing. Allele origin: germline.
Comment: This variant is classified as likely benign based on ACMG/AMP sequence variant interpretation guidelines (Richards et al. 2015 PMID: 25741868, with internal and published modifications).